The following is an entry in ClinVar:

ClinVar aggregate classification (germline): Benign/Likely benign. Review status: criteria provided, multiple submitters, no conflicts (2 of 4 stars). 2 submissions from 2 submitters: Benign (1); Likely benign (1). Last evaluated 2026-07-02.

Conditions:
Sessile serrated polyposis cancer syndrome (SSPCS). Identifiers: Orphanet 157798, MedGen C4310714, MONDO:0014919, OMIM 617108.

gnomAD v4.1: 4 of 1,611,830 alleles (0.00025%); highest among the groups gnomAD compares: Admixed American, 0.005%; no homozygotes.

Submissions (2):

Myriad Genetics, Inc.
Classification: Benign for Sessile serrated polyposis cancer syndrome. Last evaluated: 2026-07-02. Review status: criteria provided, single submitter. Criteria: Myriad Autosomal Dominant, Autosomal Recessive and X-Linked Classification Criteria (2023). Collection method: clinical testing. Allele origin: unknown.
Comment: This variant is considered benign. This variant is a silent/synonymous amino acid change and it is not expected to impact splicing.

Ambry Genetics
Classification: Likely benign. Last evaluated: 2025-08-30. Review status: criteria provided, single submitter. Criteria: Ambry Variant Classification Scheme 2023. Collection method: clinical testing. Allele origin: germline.

NM_017763.6(RNF43):c.2079C>T (p.Ser693=)

Gene: RNF43 (ring finger protein 43; minus strand). Cytogenetic location: 17q22.
Variant type: single nucleotide variant.
Coding change: c.2079C>T on transcript NM_017763.6 (MANE Select); coding-DNA position 2079, C replaced by T.
Protein change: p.Ser693=; no amino-acid change (serine 693 retained).
Molecular consequence: synonymous variant.
Genome position (GRCh38, 1-based): chr17:58,357,697, G>A on the plus strand (C>T on the coding strand, the complement: RNF43 is on the minus strand). VCF-style: chr17-58357697-G-A. GRCh37 (hg19) VCF-style: chr17-56435058-G-A.
Other names: c.2079C>T, p.Ser693= (NM_001305544.3, NM_001438820.1, NM_001438821.1 and 1 more transcripts); c.1698C>T, p.Ser566= (NM_001305545.2, NM_001437987.1).
Identifiers: ClinVar variation 4155801 (VCV004155801.2).